The following is an entry in ClinVar:

ClinVar aggregate classification (germline): Uncertain significance (1 of 4 stars; one submission).

Conditions:
Inborn genetic diseases. Identifiers: MedGen C0950123, MeSH D030342.

Submission:

Ambry Genetics
Classification: Uncertain significance for Inborn genetic diseases. Last evaluated: 2025-06-30. Review status: criteria provided, single submitter. Criteria: Ambry Variant Classification Scheme 2023. Collection method: clinical testing. Allele origin: germline.
Comment: The p.T237A variant (also known as c.709A>G), located in coding exon 6 of the BUB1B gene, results from an A to G substitution at nucleotide position 709. The threonine at codon 237 is replaced by alanine, an amino acid with similar properties. This amino acid position is conserved. In addition, this alteration is predicted to be tolerated by in silico analysis. Based on the available evidence, the clinical significance of this variant remains unclear.

NM_001211.6(BUB1B):c.709A>G (p.Thr237Ala)

Gene: BUB1B (BUB1 mitotic checkpoint serine/threonine kinase B; plus strand). Cytogenetic location: 15q15.1.
Variant type: single nucleotide variant.
Coding change: c.709A>G on transcript NM_001211.6 (MANE Select); coding-DNA position 709, A replaced by G.
Protein change: p.Thr237Ala; replaces threonine 237 with alanine.
Molecular consequence: missense variant.
Genome position (GRCh38, 1-based): chr15:40,183,841, A>G. VCF-style: chr15-40183841-A-G. GRCh37 (hg19) VCF-style: chr15-40476042-A-G.
Other names: short protein forms T237A.
Identifiers: ClinVar variation 4216936 (VCV004216936.1).